The following is an entry in ClinVar:

ClinVar aggregate classification (germline): Pathogenic. Review status: criteria provided, multiple submitters, no conflicts (2 of 4 stars). 5 submissions from 5 submitters: Pathogenic (5). Last evaluated 2025-04-17.

Conditions:
Permanent neonatal diabetes mellitus (PNDM). Identifiers: Orphanet 99885, MedGen C1833104, MONDO:0100164, MONDO:0011643. Disease mechanism: gain of function.
Hyperinsulinemic hypoglycemia, familial, 1 (HHF1). Also called: Persistent hyperinsulinemic hypoglycemia of infancy; Persistent Hyperinsulinemia Hypoglycemia of Infancy; HYPERINSULINISM, FAMILIAL, WITH PANCREATIC NESIDIOBLASTOSIS; HYPOGLYCEMIA, HYPERINSULINEMIC, OF INFANCY; NESIDIOBLASTOSIS OF PANCREAS. Identifiers: Orphanet 276575, Orphanet 276598, MedGen C2931832, MONDO:0009734, OMIM 256450.
Leucine-induced hypoglycemia (LIH). Also called: LEUCINE-SENSITIVE HYPOGLYCEMIA OF INFANCY. Identifiers: MedGen C0271714, MONDO:0009415, OMIM 240800.
Type 2 diabetes mellitus. Also called: Type II diabetes mellitus. Identifiers: MedGen C0011860, MeSH D003924, MONDO:0005148, OMIM 125853, HP:0005978.
Diabetes mellitus, transient neonatal, 2 (TNDM2). Identifiers: Orphanet 99886, MedGen C1835887, MONDO:0012480, OMIM 610374. Disease mechanism: loss of function.
Diabetes mellitus, permanent neonatal 3. Also called: ABCC8-Related Permanent Neonatal Diabetes Mellitus. Identifiers: MedGen C5394303, MONDO:0030088, OMIM 618857.

Allele frequency attached by ClinVar (database versions not stated): ExAC 0.00001.
gnomAD v4.1: 2 of 1,614,164 alleles (0.00012%); highest among the groups gnomAD compares: Non-Finnish European, 0.00017%; no homozygotes.

Submissions (5):

Labcorp Genetics (formerly Invitae), Labcorp
Classification: Pathogenic. Last evaluated: 2025-04-17. Review status: criteria provided, single submitter. Criteria: Invitae Variant Classification Sherloc (09022015). Collection method: clinical testing. Allele origin: germline.
Comment: This sequence change replaces arginine, which is basic and polar, with tryptophan, which is neutral and slightly polar, at codon 825 of the ABCC8 protein (p.Arg825Trp). This variant is present in population databases (rs779736828, gnomAD 0.0009%). This missense change has been observed in individual(s) with autosomal dominant and autosomal recessive neonatal diabetes mellitus (PMID: 17446535, 18497752, 24622368, 24825091, 26839896, 27849623, 29527407). In at least one individual the variant was observed to be de novo. This variant is also known as p.R826W. ClinVar contains an entry for this variant (Variation ID: 1338472). An algorithm developed to predict the effect of missense changes on protein structure and function (PolyPhen-2) suggests that this variant is likely to be disruptive. Experimental studies have shown that this missense change affects ABCC8 function (PMID: 18497752). For these reasons, this variant has been classified as Pathogenic.

Fulgent Genetics
Classification: Pathogenic for Type 2 diabetes mellitus; Leucine-induced hypoglycemia; Hyperinsulinemic hypoglycemia, familial, 1; Diabetes mellitus, transient neonatal, 2; Diabetes mellitus, permanent neonatal 3. Last evaluated: 2024-05-09. Review status: criteria provided, single submitter. Criteria: ACMG Guidelines, 2015. Collection method: clinical testing. Allele origin: germline.

Women's Health and Genetics/Laboratory Corporation of America, LabCorp
Classification: Pathogenic for Permanent neonatal diabetes mellitus. Last evaluated: 2024-05-03. Review status: criteria provided, single submitter. Criteria: LabCorp Variant Classification Summary - May 2015. Collection method: clinical testing. Allele origin: germline.
Comment: Variant summary: ABCC8 c.2473C>T (p.Arg825Trp), also reported as R826W, results in a non-conservative amino acid change located in the ABC transporter-like, ATP-binding domain (IPR003439) of the encoded protein sequence. Five of five in-silico tools predict a damaging effect of the variant on protein function. Consensus agreement among computation tools predict no significant impact on normal splicing. However, these predictions have yet to be confirmed by functional studies. The variant allele was found at a frequency of 4e-06 in 251492 control chromosomes. c.2473C>T has been reported homozygous in at least 1 individual with permanent neonatal diabetes mellitus and heterozygous in at least 2 individuals affected with autosomal dominant neonatal diabetes mellitus, including 1 de novo patient (example, Abujbara_2014, Cao_2016, Flanagan_2007, de Wet_2008). These data indicate that the variant is likely to be associated with disease. At least one publication reports experimental evidence that this variant inhibits ATPase activity and is deleterious to channel function (de Wet_2008). The following publications have been ascertained in the context of this evaluation (PMID: 24825091, 26839896, 17446535, 18497752). ClinVar contains an entry for this variant (Variation ID: 1338472). Based on the evidence outlined above, the variant was classified as pathogenic.

GeneDx
Classification: Pathogenic. Last evaluated: 2022-11-23. Review status: criteria provided, single submitter. Criteria: GeneDx Variant Classification Process June 2021. Collection method: clinical testing. Allele origin: germline. Affected: yes.
Comment: Published in vitro functional studies measuring ATPase activity demonstrate a slower deactivation of the potassium channels compared to wildtype, suggesting that downstream effects lead to less insulin secretion (de Wet el al., 2008); Not observed at a significant frequency in large population cohorts (gnomAD); In silico analysis supports that this missense variant has a deleterious effect on protein structure/function; This variant is associated with the following publications: (PMID: 27167055, 29112131, 24622368, 27849623, 29527407, 22210575, 24825091, 17446535, 26839896, 28993341, 17389331, 31595705, 29207974, 18497752, 18436707, 32418263, 34566892)

Genetic Services Laboratory, University of Chicago
Classification: Pathogenic. Last evaluated: 2020-08-06. Review status: criteria provided, single submitter. Criteria: ACMG Guidelines, 2015. Collection method: clinical testing. Allele origin: germline. Affected: yes.
Comment: DNA sequence analysis of the ABCC8 gene demonstrated a sequence change, c.2473C>T, in exon 20 that results in an amino acid change, p.Arg825Trp. This sequence change has been described in the gnomAD database in one heterozygous individual (dbSNP rs779736828). The p.Arg825Trp change affects a highly conserved amino acid residue located in a domain of the ABCC8 protein that is known to be functional. The p.Arg825Trp substitution appears to be deleterious using several in-silico pathogenicity prediction tools (SIFT, PolyPhen2, Align GVGD, REVEL). The p.Arg825Trp amino acid change has been described in the heterozygous state in several patients with transient neonatal diabetes (PMIDs: 17446535, 29527407, 17389331, 27167055, 24622368, and 19021632). Functional studies demonstrated that the p.Arg825Trp variant causes an increase in KATP current, thereby reducing insulin secretion and accounting for the diabetes of patients carrying the p.Arg825Trp variant (PMID: 18497752).

Literature cited by the submitters: PubMed 17446535 (cited by Labcorp Genetics (formerly Invitae), Labcorp and Women's Health and Genetics/Laboratory Corporation of America, LabCorp); PubMed 18497752 (cited by Labcorp Genetics (formerly Invitae), Labcorp and Women's Health and Genetics/Laboratory Corporation of America, LabCorp); PubMed 24622368 (cited by Labcorp Genetics (formerly Invitae), Labcorp); PubMed 24825091 (cited by Labcorp Genetics (formerly Invitae), Labcorp and Women's Health and Genetics/Laboratory Corporation of America, LabCorp); PubMed 26839896 (cited by Labcorp Genetics (formerly Invitae), Labcorp and Women's Health and Genetics/Laboratory Corporation of America, LabCorp); PubMed 27849623 (cited by Labcorp Genetics (formerly Invitae), Labcorp); PubMed 29527407 (cited by Labcorp Genetics (formerly Invitae), Labcorp).

NM_000352.6(ABCC8):c.2473C>T (p.Arg825Trp)

Genes: ABCC8 (ATP binding cassette subfamily C member 8; minus strand), LOC110121471 (VISTA enhancer hs1977; plus strand). Cytogenetic location: 11p15.1.
Variant type: single nucleotide variant.
Coding change: c.2473C>T on transcript NM_000352.6 (MANE Select); coding-DNA position 2473, C replaced by T.
Protein change: p.Arg825Trp; replaces arginine 825 with tryptophan.
Molecular consequence: missense variant. On other transcripts: non-coding transcript variant (1).
Genome position (GRCh38, 1-based): chr11:17,413,396, G>A on the plus strand (C>T on the coding strand, the complement: ABCC8 is on the minus strand). VCF-style: chr11-17413396-G-A. GRCh37 (hg19) VCF-style: chr11-17434943-G-A.
Other names: c.2476C>T, p.Arg826Trp (NM_001287174.3); c.2539C>T, p.Arg847Trp (NM_001351295.2); c.2473C>T, p.Arg825Trp (NM_001351296.2); c.2470C>T, p.Arg824Trp (NM_001351297.2); short protein forms R824W, R825W, R826W, R847W.
Identifiers: ClinVar variation 1338472 (VCV001338472.12), dbSNP rs779736828, ClinGen allele CA5903132.